The following is an entry in ClinVar:

NM_004260.4(RECQL4):c.2668G>T (p.Ala890Ser)

Gene: RECQL4 (RecQ like helicase 4; minus strand). Cytogenetic location: 8q24.3.
Variant type: single nucleotide variant.
Coding change: c.2668G>T on transcript NM_004260.4 (MANE Select); coding-DNA position 2668, G replaced by T.
Protein change: p.Ala890Ser; replaces alanine 890 with serine.
Molecular consequence: missense variant.
Genome position (GRCh38, 1-based): chr8:144,512,934, C>A on the plus strand (G>T on the coding strand, the complement: RECQL4 is on the minus strand). VCF-style: chr8-144512934-C-A. GRCh37 (hg19) VCF-style: chr8-145738317-C-A.
Other names: c.2374G>T, p.Ala792Ser (NM_001413017.1); c.2470G>T, p.Ala824Ser (NM_001413018.1); c.2668G>T, p.Ala890Ser (NM_001413019.1, NM_001413036.1); c.2572G>T, p.Ala858Ser (NM_001413020.1); c.1597G>T, p.Ala533Ser (NM_001413021.1, NM_001413022.1, NM_001413023.1 and 5 more transcripts); c.2539G>T, p.Ala847Ser (NM_001413025.1); c.1531G>T, p.Ala511Ser (NM_001413027.1, NM_001413030.1, NM_001413032.1 and 1 more transcripts); c.2317G>T, p.Ala773Ser (NM_001413029.1); and 6 more; short protein forms A523S, A773S, A890S, A511S, A792S, A824S, A880S, A401S.
Identifiers: ClinVar variation 1992880 (VCV001992880.4), dbSNP rs750381540, ClinGen allele CA372675441.

ClinVar aggregate classification (germline): Uncertain significance (1 of 4 stars; one submission).

Conditions:
Baller-Gerold syndrome (BGS). Also called: CRANIOSYNOSTOSIS WITH RADIAL DEFECTS. Identifiers: Orphanet 1225, MedGen C0265308, MONDO:0009039, OMIM 218600.

Submission:

Labcorp Genetics (formerly Invitae), Labcorp
Classification: Uncertain significance for Baller-Gerold syndrome. Last evaluated: 2022-11-29. Review status: criteria provided, single submitter. Criteria: Invitae Variant Classification Sherloc (09022015). Collection method: clinical testing. Allele origin: germline.
Comment: In summary, the available evidence is currently insufficient to determine the role of this variant in disease. Therefore, it has been classified as a Variant of Uncertain Significance. Advanced modeling of protein sequence and biophysical properties (such as structural, functional, and spatial information, amino acid conservation, physicochemical variation, residue mobility, and thermodynamic stability) performed at Invitae indicates that this missense variant is not expected to disrupt RECQL4 protein function. This variant has not been reported in the literature in individuals affected with RECQL4-related conditions. This variant is not present in population databases (gnomAD no frequency). This sequence change replaces alanine, which is neutral and non-polar, with serine, which is neutral and polar, at codon 890 of the RECQL4 protein (p.Ala890Ser).